The following is an entry in ClinVar:

ClinVar aggregate classification (germline): Uncertain significance. Review status: criteria provided, multiple submitters, no conflicts (2 of 4 stars). 4 submissions from 4 submitters: Uncertain significance (4). Last evaluated 2024-09-19.

Conditions:
Autoinflammatory syndrome. Identifiers: Orphanet 93665, MedGen C3890737, MONDO:0019751.
Generalized pustular psoriasis. Identifiers: Orphanet 247353, MedGen C0343055, MONDO:0100491.

Allele frequency attached by ClinVar (database versions not stated): gnomAD 0.00006 and 0.00007; ESP Exome Variant Server 0.00008; TOPMed 0.00005; ExAC 0.00006.
gnomAD v4.1: 66 of 1,613,936 alleles (0.0041%); highest among the groups gnomAD compares: Middle Eastern, 0.033%; no homozygotes.

Submissions (4):

Blueprint Genetics
Classification: Uncertain significance. Last evaluated: 2024-09-19. Review status: criteria provided, single submitter. Criteria: ACMG Guidelines, 2015. Collection method: clinical testing. Allele origin: germline.

Labcorp Genetics (formerly Invitae), Labcorp
Classification: Uncertain significance for Generalized pustular psoriasis. Last evaluated: 2023-12-11. Review status: criteria provided, single submitter. Criteria: Invitae Variant Classification Sherloc (09022015). Collection method: clinical testing. Allele origin: germline.
Comment: This sequence change replaces threonine, which is neutral and polar, with isoleucine, which is neutral and non-polar, at codon 77 of the IL36RN protein (p.Thr77Ile). This variant is present in population databases (rs372880215, gnomAD 0.01%). This missense change has been observed in individual(s) with psoriasis (PMID: 23792462). ClinVar contains an entry for this variant (Variation ID: 529885). Algorithms developed to predict the effect of missense changes on protein structure and function output the following: SIFT: "Not Available"; PolyPhen-2: "Benign"; Align-GVGD: "Not Available". The isoleucine amino acid residue is found in multiple mammalian species, which suggests that this missense change does not adversely affect protein function. In summary, the available evidence is currently insufficient to determine the role of this variant in disease. Therefore, it has been classified as a Variant of Uncertain Significance.

CeGaT Center for Human Genetics Tuebingen
Classification: Uncertain significance. Last evaluated: 2022-10-01. Review status: criteria provided, single submitter. Criteria: CeGaT Center For Human Genetics Tuebingen Variant Classification Criteria Version 2. Collection method: clinical testing. Allele origin: germline. Affected: yes. Observed: 2 variant alleles.
Comment: IL36RN: PM2, BP4

Genome Diagnostics Laboratory, The Hospital for Sick Children
Classification: Uncertain significance for Autoinflammatory syndrome. Last evaluated: 2020-06-01. Review status: criteria provided, single submitter. Criteria: ACMG Guidelines, 2015. Collection method: clinical testing. Allele origin: germline. Affected: yes.

Literature cited by the submitters: PubMed 23792462 (cited by Labcorp Genetics (formerly Invitae), Labcorp).

NM_012275.3(IL36RN):c.230C>T (p.Thr77Ile)

Gene: IL36RN (interleukin 36 receptor antagonist; plus strand). Cytogenetic location: 2q14.1.
Variant type: single nucleotide variant.
Coding change: c.230C>T on transcript NM_012275.3 (MANE Select); coding-DNA position 230, C replaced by T.
Protein change: p.Thr77Ile; replaces threonine 77 with isoleucine.
Molecular consequence: missense variant.
Genome position (GRCh38, 1-based): chr2:113,062,238, C>T. VCF-style: chr2-113062238-C-T. GRCh37 (hg19) VCF-style: chr2-113819815-C-T.
Other names: c.230C>T, p.Thr77Ile (NM_173170.1); short protein forms T77I.
Identifiers: ClinVar variation 529885 (VCV000529885.46), dbSNP rs372880215, ClinGen allele CA1838392.
Genomic context (GRCh38, chr2:113,062,238, plus strand): 5'-TCATCCTGGGTGTCCAGGGTGGAAGCCAGTGCCTGTCATGTGGGGTGGGGCAGGAGCCGA[C>T]TCTAACACTAGAGGTGAGACTTGGGGCATCCTCACTGGGGACTCAGCCACAGATGCTGAG-3'
Protein context (NP_036407.1, residues 67-87): CLSCGVGQEP[Thr77Ile]LTLEPVNIME